The following is an entry in ClinVar:

ClinVar aggregate classification (germline): Uncertain significance. Review status: criteria provided, multiple submitters, no conflicts (2 of 4 stars). 3 submissions from 2 submitters: Uncertain significance (3). Last evaluated 2024-04-29.

Conditions:
Cardiovascular phenotype. Identifiers: MedGen CN230736.
Hereditary cancer-predisposing syndrome. Also called: Hereditary Cancer Syndrome; Neoplastic Syndromes, Hereditary; Tumor predisposition; Hereditary neoplastic syndrome. Identifiers: Orphanet 140162, MedGen C0027672, MeSH D009386, MONDO:0015356.
Neurofibromatosis, type 1 (NF1). Also called: Neurofibromatosis, type I; VON RECKLINGHAUSEN DISEASE; NEUROFIBROMATOSIS, TYPE I, SOMATIC; Peripheral type neurofibromatosis. Identifiers: Orphanet 636, MedGen C0027831, MONDO:0018975, OMIM 162200. Disease mechanism: loss of function.

Submissions (3):

Labcorp Genetics (formerly Invitae), Labcorp
Classification: Uncertain significance for Neurofibromatosis, type 1. Last evaluated: 2024-04-29. Review status: criteria provided, single submitter. Criteria: Invitae Variant Classification Sherloc (09022015). Collection method: clinical testing. Allele origin: germline.
Comment: This sequence change replaces serine, which is neutral and polar, with proline, which is neutral and non-polar, at codon 666 of the NF1 protein (p.Ser666Pro). This variant is not present in population databases (gnomAD no frequency). This variant has not been reported in the literature in individuals affected with NF1-related conditions. ClinVar contains an entry for this variant (Variation ID: 231657). Advanced modeling of protein sequence and biophysical properties (such as structural, functional, and spatial information, amino acid conservation, physicochemical variation, residue mobility, and thermodynamic stability) performed at Invitae indicates that this missense variant is not expected to disrupt NF1 protein function with a negative predictive value of 95%. In summary, the available evidence is currently insufficient to determine the role of this variant in disease. Therefore, it has been classified as a Variant of Uncertain Significance.

Ambry Genetics
Classification: Uncertain significance for Cardiovascular phenotype; Hereditary cancer-predisposing syndrome. Last evaluated: 2021-03-18. Review status: criteria provided, single submitter. Criteria: Ambry Variant Classification Scheme 2023. Collection method: clinical testing. Allele origin: germline.

Ambry Genetics
Classification: Uncertain significance for Hereditary cancer-predisposing syndrome. Last evaluated: 2015-05-04. Review status: criteria provided, single submitter. Criteria: Ambry Autosomal Dominant and X-Linked criteria (10/2015). Collection method: clinical testing. Allele origin: germline. Observed: 1 variant allele.
Comment: The p.S666P variant (also known as c.1996T>C), located in coding exon 17 of the NF1 gene, results from a T to C substitution at nucleotide position 1996. The serine at codon 666 is replaced by proline, an amino acid with similar properties. This variant was not reported in population based cohorts in the following databases: Database of Single Nucleotide Polymorphisms (dbSNP), NHLBI Exome Sequencing Project (ESP), and 1000 Genomes Project. In the ESP, this variant was not observed in 6503 samples (13006 alleles) with coverage at this position. To date, this alteration has been detected with an allele frequency of approximately 0.002% (greater than 55000 alleles tested) in our clinical cohort. This amino acid position is well conserved in available vertebrate species. In addition, this alteration is predicted to be tolerated by in silico analysis. Since supporting evidence is limited at this time, the clinical significance of p.S666P remains unclear.

NM_001042492.3(NF1):c.1996T>C (p.Ser666Pro)

Gene: NF1 (neurofibromin 1; plus strand). Cytogenetic location: 17q11.2.
Variant type: single nucleotide variant.
Coding change: c.1996T>C on transcript NM_001042492.3 (MANE Select); coding-DNA position 1996, T replaced by C.
Protein change: p.Ser666Pro; replaces serine 666 with proline.
Molecular consequence: missense variant.
Genome position (GRCh38, 1-based): chr17:31,225,245, T>C. VCF-style: chr17-31225245-T-C. GRCh37 (hg19) VCF-style: chr17-29552263-T-C.
Other names: c.1996T>C, p.Ser666Pro (NM_000267.4); short protein forms S666P.
Identifiers: ClinVar variation 231657 (VCV000231657.7), dbSNP rs876659281, ClinGen allele CA10580237.
Genomic context (GRCh38, chr17:31,225,245, plus strand): 5'-GATCATGAAGAATTACTACGTACTCCTGGAGCCTCTCTCCGGAAGGGAAAAGGGAACTCC[T>C]CTATGGTCAGCTTCTTCTGTACTTTTTCTGTATCATTTTATGTGCTCTGTTTGTTTTCTG-3'
Protein context (NP_001035957.1, residues 656-676): ASLRKGKGNS[Ser666Pro]MDSAAGCSGT